The following is an entry in ClinVar:

ClinVar aggregate classification (germline): Benign/Likely benign. Review status: criteria provided, multiple submitters, no conflicts (2 of 4 stars). 4 submissions from 4 submitters: Benign (1); Likely benign (3). Last evaluated 2025-11-09.

Conditions:
Hereditary cancer-predisposing syndrome. Also called: Neoplastic Syndromes, Hereditary; Hereditary neoplastic syndrome; Tumor predisposition; Hereditary Cancer Syndrome. Identifiers: Orphanet 140162, MedGen C0027672, MeSH D009386, MONDO:0015356.
Oligodontia-cancer predisposition syndrome. Also called: TOOTH AGENESIS-COLORECTAL CANCER SYNDROME. Identifiers: Orphanet 300576, MedGen C1837750, MONDO:0012075, OMIM 608615. Disease mechanism: loss of function.

Allele frequency attached by ClinVar (database versions not stated): gnomAD exomes 0.00001 and 0.00002; TOPMed 0.00001; ExAC 0.00003.
gnomAD v4.1: 15 of 1,613,472 alleles (0.00093%); highest among the groups gnomAD compares: East Asian, 0.02%; no homozygotes.

Submissions (4):

Labcorp Genetics (formerly Invitae), Labcorp
Classification: Likely benign for Oligodontia-cancer predisposition syndrome. Last evaluated: 2025-11-09. Review status: criteria provided, single submitter. Criteria: Invitae Variant Classification Sherloc (09022015). Collection method: clinical testing. Allele origin: germline.

Myriad Genetics, Inc.
Classification: Benign for Oligodontia-cancer predisposition syndrome. Last evaluated: 2024-07-08. Review status: criteria provided, single submitter. Criteria: Myriad Autosomal Dominant, Autosomal Recessive and X-Linked Classification Criteria (2023). Collection method: clinical testing. Allele origin: unknown.
Comment: This variant is considered benign. This variant is a silent/synonymous amino acid change and it is not expected to impact splicing.

Women's Health and Genetics/Laboratory Corporation of America, LabCorp
Classification: Likely benign. Last evaluated: 2023-04-22. Review status: criteria provided, single submitter. Criteria: LabCorp Variant Classification Summary - May 2015. Collection method: clinical testing. Allele origin: germline.

Ambry Genetics
Classification: Likely benign for Hereditary cancer-predisposing syndrome. Last evaluated: 2021-03-19. Review status: criteria provided, single submitter. Criteria: Ambry Variant Classification Scheme 2023. Collection method: clinical testing. Allele origin: germline.

NM_004655.4(AXIN2):c.1827C>T (p.Pro609=)

Gene: AXIN2 (axin 2; minus strand). Cytogenetic location: 17q24.1.
Variant type: single nucleotide variant.
Coding change: c.1827C>T on transcript NM_004655.4 (MANE Select); coding-DNA position 1827, C replaced by T.
Protein change: p.Pro609=; no amino-acid change (proline 609 retained).
Molecular consequence: synonymous variant. On other transcripts: intron variant (1).
Genome position (GRCh38, 1-based): chr17:65,536,949, G>A on the plus strand (C>T on the coding strand, the complement: AXIN2 is on the minus strand). VCF-style: chr17-65536949-G-A. GRCh37 (hg19) VCF-style: chr17-63533067-G-A.
Other names: c.1827C>T (LRG_296t1); c.1712+375C>T (NM_001363813.1).
Identifiers: ClinVar variation 239999 (VCV000239999.13), dbSNP rs747605090, ClinGen allele CA8718518.